The following continues an entry in ClinVar:

NM_152443.3(RDH12):c.184C>T (p.Arg62Ter)

ClinVar aggregate classification (germline): Pathogenic. Pathogenic (16).

Submissions 15 to 21 of 21:

Mendelics
Classification: Pathogenic for Leber congenital amaurosis 13. Last evaluated: 2019-05-28. Review status: criteria provided, single submitter. Criteria: Mendelics Assertion Criteria 2017. Collection method: clinical testing. Allele origin: unknown.

GeneDx
Classification: Pathogenic. Last evaluated: 2019-04-15. Review status: criteria provided, single submitter. Criteria: GeneDx Variant Classification Process June 2021. Collection method: clinical testing. Allele origin: germline. Affected: yes.
Comment: Nonsense variant predicted to result in protein truncation or nonsense mediated decay in a gene for which loss-of-function is a known mechanism of disease; Observed in 4/24,014 (0.017%) alleles from individuals of African background and in 13/277,094 (0.005%) global alleles, in large population cohorts and no individuals were reported to be homozygous (Lek et al., 2016); This variant is associated with the following publications: (PMID: 32865313, 31054281, 30134391, 29186038, 15258582, 29068479, 15322982, 26497376)

Ocular Genomics Institute, Massachusetts Eye and Ear
Classification: Pathogenic for Leber congenital amaurosis 13. Last evaluated: 2019-08-01. Review status: no assertion criteria provided. Collection method: clinical testing. Allele origin: germline. Affected: yes. Observed: 1 variant allele. Not counted in ClinVar's aggregate classification.

OMIM
Classification: Pathogenic for LEBER CONGENITAL AMAUROSIS 13. Last evaluated: 2004-10-01. Review status: no assertion criteria provided. Collection method: literature only. Allele origin: germline. Not counted in ClinVar's aggregate classification.

Clinical Genetics DNA and cytogenetics Diagnostics Lab, Erasmus MC, Erasmus Medical Center
Classification: Pathogenic. Review status: no assertion criteria provided. Collection method: clinical testing. Allele origin: germline. Affected: yes. Study: VKGL Data-share Consensus. Not counted in ClinVar's aggregate classification.

Joint Genome Diagnostic Labs from Nijmegen and Maastricht, Radboudumc and MUMC+
Classification: Pathogenic. Review status: no assertion criteria provided. Collection method: clinical testing. Allele origin: germline. Affected: yes. Study: VKGL Data-share Consensus. Not counted in ClinVar's aggregate classification.

Laboratory of Genetics in Ophthalmology, Institut Imagine
Classification: Pathogenic for Leber congenital amaurosis 13. Review status: no assertion criteria provided. Collection method: research. Allele origin: inherited. Affected: yes. Observed: 2 variant alleles. Not counted in ClinVar's aggregate classification.

Literature cited by the submitters: PubMed 17964524 (cited by Labcorp Genetics (formerly Invitae), Labcorp); PubMed 22065924 (cited by Labcorp Genetics (formerly Invitae), Labcorp); PubMed 32014858 (cited by Labcorp Genetics (formerly Invitae), Labcorp and Broad Center for Mendelian Genomics, Broad Institute of MIT and Harvard); PubMed 34001834 (cited by Labcorp Genetics (formerly Invitae), Labcorp); PubMed 15258582 (cited by 5 submitters); PubMed 15322982 (cited by 3 submitters); PubMed 26497376 (cited by 3 submitters); PubMed 29186038 (cited by Labcorp Genetics (formerly Invitae), Labcorp and Institute of Human Genetics, Univ. Regensburg, Univ. Regensburg); PubMed 29068479 (cited by Natera, Inc. and Institute of Human Genetics, Univ. Regensburg, Univ. Regensburg); PubMed 30372751 (cited by Natera, Inc.); PubMed 35006499 (cited by Women's Health and Genetics/Laboratory Corporation of America, LabCorp and Institute of Human Genetics, Univ. Regensburg, Univ. Regensburg); PubMed 38219857 (cited by Women's Health and Genetics/Laboratory Corporation of America, LabCorp); PubMed 30134391 (cited by Institute of Human Genetics, Univ. Regensburg, Univ. Regensburg and Broad Center for Mendelian Genomics, Broad Institute of MIT and Harvard); PubMed 31054281 (cited by Institute of Human Genetics, Univ. Regensburg, Univ. Regensburg); PubMed 31345219 (cited by Institute of Human Genetics, Univ. Regensburg, Univ. Regensburg); PubMed 31964843 (cited by Institute of Human Genetics, Univ. Regensburg, Univ. Regensburg); PubMed 31429209 (cited by Institute of Human Genetics, Univ. Regensburg, Univ. Regensburg); PubMed 32865313 (cited by Institute of Human Genetics, Univ. Regensburg, Univ. Regensburg); PubMed 36460718 (cited by Institute of Human Genetics, Univ. Regensburg, Univ. Regensburg); PubMed 36819107 (cited by Institute of Human Genetics, Univ. Regensburg, Univ. Regensburg).